The following is an entry in ClinVar:

ClinVar aggregate classification (germline): Uncertain significance. Review status: criteria provided, multiple submitters, no conflicts (2 of 4 stars). 2 submissions from 2 submitters: Uncertain significance (2). Last evaluated 2025-09-12.

Conditions:
Cardiovascular phenotype. Identifiers: MedGen CN230736.
Progressive familial heart block type IB (PFHB1B). Identifiers: Orphanet 871, MedGen C1970298, MONDO:0011474, OMIM 604559.

Allele frequency attached by ClinVar (database versions not stated): gnomAD exomes 0.00001; TOPMed 0.00001.

Submissions (2):

Ambry Genetics
Classification: Uncertain significance for Cardiovascular phenotype. Last evaluated: 2025-09-12. Review status: criteria provided, single submitter. Criteria: Ambry Variant Classification Scheme 2023. Collection method: clinical testing. Allele origin: germline.
Comment: The p.R92W variant (also known as c.274C>T), located in coding exon 4 of the TRPM4 gene, results from a C to T substitution at nucleotide position 274. The arginine at codon 92 is replaced by tryptophan, an amino acid with dissimilar properties. This amino acid position is conserved. In addition, the in silico prediction for this alteration is inconclusive. Based on the available evidence, the clinical significance of this variant remains unclear.

Labcorp Genetics (formerly Invitae), Labcorp
Classification: Uncertain significance for Progressive familial heart block type IB. Last evaluated: 2024-01-11. Review status: criteria provided, single submitter. Criteria: Invitae Variant Classification Sherloc (09022015). Collection method: clinical testing. Allele origin: germline.
Comment: This sequence change replaces arginine, which is basic and polar, with tryptophan, which is neutral and slightly polar, at codon 92 of the TRPM4 protein (p.Arg92Trp). This variant is present in population databases (no rsID available, gnomAD 0.007%). This variant has not been reported in the literature in individuals affected with TRPM4-related conditions. An algorithm developed to predict the effect of missense changes on protein structure and function (PolyPhen-2) suggests that this variant is likely to be disruptive. In summary, the available evidence is currently insufficient to determine the role of this variant in disease. Therefore, it has been classified as a Variant of Uncertain Significance.

NM_017636.4(TRPM4):c.274C>T (p.Arg92Trp)

Gene: TRPM4 (transient receptor potential cation channel subfamily M member 4; plus strand). Cytogenetic location: 19q13.33.
Variant type: single nucleotide variant.
Coding change: c.274C>T on transcript NM_017636.4 (MANE Select); coding-DNA position 274, C replaced by T.
Protein change: p.Arg92Trp; replaces arginine 92 with tryptophan.
Molecular consequence: missense variant. On other transcripts: intron variant (4).
Genome position (GRCh38, 1-based): chr19:49,167,923, C>T. VCF-style: chr19-49167923-C-T. GRCh37 (hg19) VCF-style: chr19-49671180-C-T.
Other names: c.274C>T (NM_017636.3); c.274C>T, p.Arg92Trp (NM_001195227.2); c.-1105-337C>T (NM_001321282.2); c.268-630C>T (NM_001321281.2); c.-74-337C>T (NM_001321283.2); c.-237-630C>T (NM_001321285.2); short protein forms R92W.
Identifiers: ClinVar variation 2851047 (VCV002851047.4), dbSNP rs1162091985, ClinGen allele CA406789900.